The following is an entry in ClinVar:

ClinVar aggregate classification (germline): Uncertain significance (1 of 4 stars; one submission).

gnomAD v4.1: 1 of 1,614,132 alleles (0.000062%); highest among the groups gnomAD compares: Non-Finnish European, 0.000085%; no homozygotes.

Submission:

Labcorp Genetics (formerly Invitae), Labcorp
Classification: Uncertain significance. Last evaluated: 2023-12-11. Review status: criteria provided, single submitter. Criteria: Invitae Variant Classification Sherloc (09022015). Collection method: clinical testing. Allele origin: germline.
Comment: This sequence change replaces tyrosine, which is neutral and polar, with histidine, which is basic and polar, at codon 38 of the CFI protein (p.Tyr38His). This variant is not present in population databases (gnomAD no frequency). This variant has not been reported in the literature in individuals affected with CFI-related conditions. ClinVar contains an entry for this variant (Variation ID: 1430836). Advanced modeling of protein sequence and biophysical properties (such as structural, functional, and spatial information, amino acid conservation, physicochemical variation, residue mobility, and thermodynamic stability) performed at Invitae indicates that this missense variant is not expected to disrupt CFI protein function with a negative predictive value of 95%. In summary, the available evidence is currently insufficient to determine the role of this variant in disease. Therefore, it has been classified as a Variant of Uncertain Significance.

NM_000204.5(CFI):c.112T>C (p.Tyr38His)

Gene: CFI (complement factor I; minus strand). Cytogenetic location: 4q25.
Variant type: single nucleotide variant.
Coding change: c.112T>C on transcript NM_000204.5 (MANE Select); coding-DNA position 112, T replaced by C.
Protein change: p.Tyr38His; replaces tyrosine 38 with histidine.
Molecular consequence: missense variant. On other transcripts: non-coding transcript variant (3), intron variant (1).
Genome position (GRCh38, 1-based): chr4:109,766,770, A>G on the plus strand (T>C on the coding strand, the complement: CFI is on the minus strand). VCF-style: chr4-109766770-A-G. GRCh37 (hg19) VCF-style: chr4-110687926-A-G.
Other names: c.112T>C, p.Tyr38His (NM_001318057.2, NM_001331035.2, NM_001375278.1 and 5 more transcripts); c.-127-5078T>C (NM_001375284.1); short protein forms Y38H.
Identifiers: ClinVar variation 1430836 (VCV001430836.8), dbSNP rs1727815985, ClinGen allele CA357865710.
Genomic context (GRCh38, chr4:109,766,770, plus strand): 5'-TGCCCTCAATGCATCTCTGCCATGGCTGGCAGAAGACTTTATCGCAGGAGAGGTGAGTAT[A>G]TTTTTTTGCTAAGCACTTTTTCTCCACCAGATCCTCTTGAGATGTATAAGTGACCTGTAA-3'
Protein context (NP_000195.3, residues 28-48): LVEKKCLAKK[Tyr38His]THLSCDKVFC